The following is an entry in ClinVar:

NM_000169.3(GLA):c.100A>G (p.Asn34Asp)

Genes: GLA (galactosidase alpha; minus strand), RPL36A-HNRNPH2 (RPL36A-HNRNPH2 readthrough; plus strand). Cytogenetic location: Xq22.1.
Variant type: single nucleotide variant.
Coding change: c.100A>G on transcript NM_000169.3 (MANE Select); coding-DNA position 100, A replaced by G.
Protein change: p.Asn34Asp; replaces asparagine 34 with aspartic acid.
Molecular consequence: missense variant. On other transcripts: non-coding transcript variant (3), intron variant (2).
Genome position (GRCh38, 1-based): chrX:101,407,804, T>C on the plus strand (A>G on the coding strand, the complement: GLA is on the minus strand). VCF-style: chrX-101407804-T-C. GRCh37 (hg19) VCF-style: chrX-100662792-T-C.
Other names: c.100A>G, p.Asn34Asp (NM_001406747.1, NM_001406748.1, NM_001406749.1); c.301-4132T>C (NM_001199973.2); c.178-4132T>C (NM_001199974.2); short protein forms N34D.
Identifiers: ClinVar variation 498630 (VCV000498630.7), dbSNP rs1555987150, ClinGen allele CA413937393.

ClinVar aggregate classification (germline): Conflicting classifications of pathogenicity. Review status: criteria provided, conflicting classifications (1 of 4 stars). 2 submissions from 2 submitters: Likely pathogenic (1); Uncertain significance (1). Last evaluated 2026-09-08.

Conditions:
Fabry disease. Also called: GLA DEFICIENCY; Fabry's disease; ALPHA-GALACTOSIDASE A DEFICIENCY; ANDERSON-FABRY DISEASE; CERAMIDE TRIHEXOSIDASE DEFICIENCY; Ceramide trihexosidosis. Identifiers: Orphanet 324, MedGen C0002986, MONDO:0010526, OMIM 301500, HP:0001071. Disease mechanism: Fabry disease is due to inactivating mutations in the X-linked GLA gene resulting in deficiency of the enzyme Alpha Galactosidase-A., loss of function.

Submissions (2):

Genomenon, Inc
Classification: Likely pathogenic for Fabry disease. Last evaluated: 2026-09-08. Review status: criteria provided, single submitter. Criteria: Genomenon Sequence Variant Interpretation Standards - Updated. Collection method: curation. Allele origin: germline. Affected: yes.
Comment: GLA p.Asn34Asp (c.100A>G) is a missense variant that changes the amino acid at codon 34 from Asparagine to Aspartic acid. This variant has been observed in at least one proband with clinical features consistent with Fabry disease (PMID:27733175;30316069;31665721). The variant was found to segregate with disease in at least one affected family (PMID:31665721). It is absent or not present at a significant frequency in gnomAD. In silico models predict that this variant is possibly or probably damaging. In conclusion, we classify GLA p.Asn34Asp (c.100A>G) as a likely pathogenic variant.

Eurofins Ntd Llc (ga)
Classification: Uncertain significance. Last evaluated: 2016-11-16. Review status: criteria provided, single submitter. Criteria: EGL Classification Definitions 2015. Collection method: clinical testing. Allele origin: germline.

Literature cited by the submitters: PubMed 27733175 (cited by Genomenon, Inc); PubMed 30316069 (cited by Genomenon, Inc); PubMed 31665721 (cited by Genomenon, Inc).